The following is an entry in ClinVar:

NM_000256.3(MYBPC3):c.2308+6G>A

Gene: MYBPC3 (myosin binding protein C3; minus strand). Cytogenetic location: 11p11.2.
Variant type: single nucleotide variant.
Coding change: c.2308+6G>A on transcript NM_000256.3 (MANE Select); 6 bases into the intron after coding-DNA position 2308, G replaced by A.
Molecular consequence: intron variant.
Genome position (GRCh38, 1-based): chr11:47,338,514, C>T on the plus strand (G>A on the coding strand, the complement: MYBPC3 is on the minus strand). VCF-style: chr11-47338514-C-T. GRCh37 (hg19) VCF-style: chr11-47360065-C-T.
Identifiers: ClinVar variation 3069785 (VCV003069785.1), dbSNP rs1471054360, ClinGen allele CA049236.

ClinVar aggregate classification (germline): Uncertain significance (1 of 4 stars; one submission).

Conditions:
Hypertrophic cardiomyopathy. Also called: HYPERTROPHIC MYOCARDIOPATHY. Identifiers: Orphanet 217569, MedGen C0007194, MeSH D002312, MONDO:0005045, HP:0001639.

gnomAD v4.1: 1 of 1,614,012 alleles (0.000062%); highest among the groups gnomAD compares: Non-Finnish European, 0.000085%; no homozygotes.

Submission:

All of Us Research Program, National Institutes of Health
Classification: Uncertain significance for Hypertrophic cardiomyopathy. Last evaluated: 2023-03-09. Review status: criteria provided, single submitter. Criteria: ACMG Guidelines, 2015. Collection method: clinical testing. Allele origin: germline. Inheritance: Autosomal dominant inheritance. Observed: 1 variant allele, 1 heterozygote.
Comment: This variant causes a G to A nucleotide substitution at the +6 position of intron 23 of the MYBPC3 gene. To our knowledge, functional studies have not been reported for this variant. This variant has not been reported in individuals affected with MYBPC3-related disorders in the literature. This variant has been identified in 1/249040 chromosomes in the general population by the Genome Aggregation Database (gnomAD). The available evidence is insufficient to determine the role of this variant in disease conclusively. Therefore, this variant is classified as a Variant of Uncertain Significance.

This study involves interpretation of variants in research participants for the purpose of population health screening. Participant phenotype was not available at the time of variant classification. Additional details can be found in publication PMID: 35346344, PMCID: PMC8962531